The following is an entry in ClinVar:

ClinVar aggregate classification (germline): Uncertain significance (1 of 4 stars; one submission).

Allele frequency attached by ClinVar (database versions not stated): gnomAD exomes below 0.00001.
gnomAD v4.1: 1 of 1,614,036 alleles (0.000062%); highest among the groups gnomAD compares: Non-Finnish European, 0.000085%; no homozygotes.

Submission:

Labcorp Genetics (formerly Invitae), Labcorp
Classification: Uncertain significance. Last evaluated: 2023-05-12. Review status: criteria provided, single submitter. Criteria: Invitae Variant Classification Sherloc (09022015). Collection method: clinical testing. Allele origin: germline.
Comment: In summary, the available evidence is currently insufficient to determine the role of this variant in disease. Therefore, it has been classified as a Variant of Uncertain Significance. Advanced modeling of protein sequence and biophysical properties (such as structural, functional, and spatial information, amino acid conservation, physicochemical variation, residue mobility, and thermodynamic stability) performed at Invitae indicates that this missense variant is expected to disrupt COL2A1 protein function. This variant has not been reported in the literature in individuals affected with COL2A1-related conditions. This variant is not present in population databases (gnomAD no frequency). This sequence change replaces proline, which is neutral and non-polar, with leucine, which is neutral and non-polar, at codon 278 of the COL2A1 protein (p.Pro278Leu).

NM_001844.5(COL2A1):c.833C>T (p.Pro278Leu)

Gene: COL2A1 (collagen type II alpha 1 chain; minus strand). Cytogenetic location: 12q13.11.
Variant type: single nucleotide variant.
Coding change: c.833C>T on transcript NM_001844.5 (MANE Select); coding-DNA position 833, C replaced by T.
Protein change: p.Pro278Leu; replaces proline 278 with leucine.
Molecular consequence: missense variant.
Genome position (GRCh38, 1-based): chr12:47,994,031, G>A on the plus strand (C>T on the coding strand, the complement: COL2A1 is on the minus strand). VCF-style: chr12-47994031-G-A. GRCh37 (hg19) VCF-style: chr12-48387814-G-A.
Other names: c.626C>T, p.Pro209Leu (NM_033150.3); short protein forms P278L, P209L.
Identifiers: ClinVar variation 2831144 (VCV002831144.3), dbSNP rs2540169148, ClinGen allele CA384522346.